The following is an entry in ClinVar:

ClinVar aggregate classification (germline): Pathogenic/Likely pathogenic. Review status: criteria provided, multiple submitters, no conflicts (2 of 4 stars). 2 submissions from 2 submitters: Pathogenic (1); Likely pathogenic (1). Last evaluated 2025-05-14.

Conditions:
Hereditary cancer-predisposing syndrome. Also called: Tumor predisposition; Neoplastic Syndromes, Hereditary; Hereditary neoplastic syndrome; Hereditary Cancer Syndrome. Identifiers: Orphanet 140162, MedGen C0027672, MeSH D009386, MONDO:0015356.
Gorlin syndrome. Also called: Nevoid Basal Cell Carcinoma Syndrome; Basal cell nevus syndrome. Identifiers: Orphanet 377, MedGen C0004779, MONDO:0007187.

Submissions (2):

Ambry Genetics
Classification: Likely pathogenic for Hereditary cancer-predisposing syndrome. Last evaluated: 2025-05-14. Review status: criteria provided, single submitter. Criteria: Ambry Variant Classification Scheme 2023. Collection method: clinical testing. Allele origin: germline.
Comment: The c.747-1G>A intronic variant results from a G to A substitution one nucleotide upstream from coding exon 6 of the PTCH1 gene. This variant is considered to be rare based on population cohorts in the Genome Aggregation Database (gnomAD). This nucleotide position is highly conserved in available vertebrate species. In silico splice site analysis predicts that this alteration will weaken the native splice acceptor site and will result in the creation or strengthening of a novel splice acceptor site. Alterations that disrupt the canonical splice site are expected to cause aberrant splicing, resulting in an abnormal protein or a transcript that is subject to nonsense-mediated mRNA decay. As such, this alteration is classified as likely pathogenic.

Labcorp Genetics (formerly Invitae), Labcorp
Classification: Pathogenic for Gorlin syndrome. Last evaluated: 2021-06-29. Review status: criteria provided, single submitter. Criteria: Invitae Variant Classification Sherloc (09022015). Collection method: clinical testing. Allele origin: germline.
Comment: This sequence change affects an acceptor splice site in intron 5 of the PTCH1 gene. It is expected to disrupt RNA splicing and likely results in an absent or disrupted protein product. This variant is not present in population databases (ExAC no frequency). Disruption of this splice site has been observed in an individual with clinical features of basal cell nevus syndrome (PMID: 29575684, Invitae). Algorithms developed to predict the effect of sequence changes on RNA splicing suggest that this variant may disrupt the consensus splice site, but this prediction has not been confirmed by published transcriptional studies. Donor and acceptor splice site variants typically lead to a loss of protein function (PMID: 16199547), and loss-of-function variants in PTCH1 are known to be pathogenic (PMID: 16301862, 16419085). For these reasons, this variant has been classified as Pathogenic.

Literature cited by the submitters: PubMed 29575684 (cited by Labcorp Genetics (formerly Invitae), Labcorp); PubMed 16199547 (cited by Labcorp Genetics (formerly Invitae), Labcorp); PubMed 16301862 (cited by Labcorp Genetics (formerly Invitae), Labcorp); PubMed 16419085 (cited by Labcorp Genetics (formerly Invitae), Labcorp).

NM_000264.5(PTCH1):c.747-1G>A

Gene: PTCH1 (patched 1; minus strand). Cytogenetic location: 9q22.32.
Variant type: single nucleotide variant.
Coding change: c.747-1G>A on transcript NM_000264.5 (MANE Select); the canonical splice acceptor site of the intron before coding-DNA position 747, G replaced by A.
Molecular consequence: splice acceptor variant.
Genome position (GRCh38, 1-based): chr9:95,480,589, C>T on the plus strand (G>A on the coding strand, the complement: PTCH1 is on the minus strand). VCF-style: chr9-95480589-C-T. GRCh37 (hg19) VCF-style: chr9-98242871-C-T.
Other names: c.747-1G>A (NM_000264.3, NM_001354918.2); c.744-1G>A (NM_001083603.3); c.549-1G>A (NM_001083602.3); c.294-1G>A (NM_001083605.3, NM_001083604.3, NM_001083606.3 and 1 more transcripts).
Identifiers: ClinVar variation 1071469 (VCV001071469.10), dbSNP rs2118429101, ClinGen allele CA374114668.